The following is an entry in ClinVar:

ClinVar aggregate classification (germline): Uncertain significance (1 of 4 stars; one submission).

gnomAD v4.1: 1 of 1,612,762 alleles (0.000062%); highest among the groups gnomAD compares: Non-Finnish European, 0.000085%; no homozygotes.

Submission:

Labcorp Genetics (formerly Invitae), Labcorp
Classification: Uncertain significance. Last evaluated: 2022-12-18. Review status: criteria provided, single submitter. Criteria: Invitae Variant Classification Sherloc (09022015). Collection method: clinical testing. Allele origin: germline.
Comment: This sequence change replaces alanine, which is neutral and non-polar, with glycine, which is neutral and non-polar, at codon 241 of the NSMF protein (p.Ala241Gly). This variant is not present in population databases (gnomAD no frequency). This variant has not been reported in the literature in individuals affected with NSMF-related conditions. Algorithms developed to predict the effect of missense changes on protein structure and function are either unavailable or do not agree on the potential impact of this missense change (SIFT: "Not Available"; PolyPhen-2: "Probably Damaging"; Align-GVGD: "Not Available"). In summary, the available evidence is currently insufficient to determine the role of this variant in disease. Therefore, it has been classified as a Variant of Uncertain Significance.

NM_001130969.3(NSMF):c.728C>G (p.Ala243Gly)

Gene: NSMF (NMDA receptor synaptonuclear signaling and neuronal migration factor; minus strand). Cytogenetic location: 9q34.3.
Variant type: single nucleotide variant.
Coding change: c.728C>G on transcript NM_001130969.3 (MANE Select); coding-DNA position 728, C replaced by G.
Protein change: p.Ala243Gly; replaces alanine 243 with glycine.
Molecular consequence: missense variant. On other transcripts: intron variant (2).
Genome position (GRCh38, 1-based): chr9:137,455,290, G>C on the plus strand (C>G on the coding strand, the complement: NSMF is on the minus strand). VCF-style: chr9-137455290-G-C. GRCh37 (hg19) VCF-style: chr9-140349742-G-C.
Other names: c.722C>G, p.Ala241Gly (NM_015537.5, NM_182780.1); c.705-847C>G (NM_001130971.2); c.710+339C>G (NM_001130970.2); c.728C>G, p.Ala243Gly (NM_001178064.2); short protein forms A241G, A243G.
Identifiers: ClinVar variation 2821997 (VCV002821997.3), dbSNP rs762231955, ClinGen allele CA375763588.